The following is an entry in ClinVar:

ClinVar aggregate classification (germline): Uncertain significance (1 of 4 stars; one submission).

Conditions:
Primary dilated cardiomyopathy (DCM). Also called: Dilated Cardiomyopathy. Identifiers: Orphanet 217604, MedGen C0007193, MeSH D002311, MONDO:0005021, HP:0001644. Inheritance: Various modes of inheritance.

Allele frequency attached by ClinVar (database versions not stated): ExAC 0.00001; gnomAD 0.00002.
gnomAD v4.1: 5 of 1,614,024 alleles (0.00031%); highest among the groups gnomAD compares: Non-Finnish European, 0.00042%; no homozygotes.

Submission:

Labcorp Genetics (formerly Invitae), Labcorp
Classification: Uncertain significance for Primary dilated cardiomyopathy. Last evaluated: 2021-03-24. Review status: criteria provided, single submitter. Criteria: Invitae Variant Classification Sherloc (09022015). Collection method: clinical testing. Allele origin: germline.
Comment: In summary, the available evidence is currently insufficient to determine the role of this variant in disease. Therefore, it has been classified as a Variant of Uncertain Significance. Algorithms developed to predict the effect of missense changes on protein structure and function are either unavailable or do not agree on the potential impact of this missense change (SIFT: "Deleterious"; PolyPhen-2: "Benign"; Align-GVGD: "Class C45"). This variant has not been reported in the literature in individuals with FHL2-related conditions. This variant is present in population databases (rs758618755, ExAC 0.002%). This sequence change replaces aspartic acid with alanine at codon 215 of the FHL2 protein (p.Asp215Ala). The aspartic acid residue is moderately conserved and there is a moderate physicochemical difference between aspartic acid and alanine.

NM_001318895.3(FHL2):c.644A>C (p.Asp215Ala)

Genes: C2orf49 (chromosome 2 open reading frame 49; plus strand), FHL2 (four and a half LIM domains 2; minus strand). Cytogenetic location: 2q12.2.
Variant type: single nucleotide variant.
Coding change: c.644A>C on transcript NM_001318895.3 (MANE Select); coding-DNA position 644, A replaced by C.
Protein change: p.Asp215Ala; replaces aspartic acid 215 with alanine.
Molecular consequence: missense variant.
Genome position (GRCh38, 1-based): chr2:105,363,329, T>G on the plus strand (A>C on the coding strand, the complement: FHL2 is on the minus strand). VCF-style: chr2-105363329-T-G. GRCh37 (hg19) VCF-style: chr2-105979786-T-G.
Other names: c.644A>C, p.Asp215Ala (NM_001039492.3, NM_001318894.1, NM_001318896.2 and 4 more transcripts); c.302A>C, p.Asp101Ala (NM_001318897.2, NM_001318898.2); c.320A>C, p.Asp107Ala (NM_001318899.2); short protein forms D101A, D215A, D107A.
Identifiers: ClinVar variation 1389348 (VCV001389348.8), dbSNP rs758618755, ClinGen allele CA1814692.